The following is an entry in ClinVar:

NM_182961.4(SYNE1):c.3375G>C (p.Lys1125Asn)

Gene: SYNE1 (spectrin repeat containing nuclear envelope protein 1; minus strand). Cytogenetic location: 6q25.2.
Variant type: single nucleotide variant.
Coding change: c.3375G>C on transcript NM_182961.4 (MANE Select); coding-DNA position 3375, G replaced by C.
Protein change: p.Lys1125Asn; replaces lysine 1125 with asparagine.
Molecular consequence: missense variant.
Genome position (GRCh38, 1-based): chr6:152,450,645, C>G on the plus strand (G>C on the coding strand, the complement: SYNE1 is on the minus strand). VCF-style: chr6-152450645-C-G. GRCh37 (hg19) VCF-style: chr6-152771780-C-G.
Other names: c.3396G>C, p.Lys1132Asn (NM_033071.5); short protein forms K1125N, K1132N.
Identifiers: ClinVar variation 4790549 (VCV004790549.1).

ClinVar aggregate classification (germline): Uncertain significance (1 of 4 stars; one submission).

Conditions:
Autosomal recessive ataxia, Beauce type. Also called: SYNE1-Related Autosomal Recessive Cerebellar Ataxia; Spinocerebellar ataxia, autosomal recessive 8; ATAXIA, RECESSIVE, OF BEAUCE; SYNE1 Deficiency. Identifiers: Orphanet 88644, MedGen C1853116, MONDO:0012549, OMIM 610743.
Emery-Dreifuss muscular dystrophy 4, autosomal dominant (EDMD4). Also called: EMERY-DREIFUSS MUSCULAR DYSTROPHY 4 WITH VARIABLE FEATURES. Identifiers: Orphanet 261, MedGen C2751807, MONDO:0013071, OMIM 612998.

Submission:

Labcorp Genetics (formerly Invitae), Labcorp
Classification: Uncertain significance for Emery-Dreifuss muscular dystrophy 4, autosomal dominant; Autosomal recessive ataxia, Beauce type. Last evaluated: 2025-08-15. Review status: criteria provided, single submitter. Criteria: Invitae Variant Classification Sherloc (09022015). Collection method: clinical testing. Allele origin: germline.
Comment: This sequence change replaces lysine, which is basic and polar, with asparagine, which is neutral and polar, at codon 1132 of the SYNE1 protein (p.Lys1132Asn). This variant is not present in population databases (gnomAD no frequency). This variant has not been reported in the literature in individuals affected with SYNE1-related conditions. An algorithm developed to predict the effect of missense changes on protein structure and function (PolyPhen-2) suggests that this variant is likely to be disruptive. In summary, the available evidence is currently insufficient to determine the role of this variant in disease. Therefore, it has been classified as a Variant of Uncertain Significance.